The following is an entry in ClinVar:

ClinVar aggregate classification (germline): Uncertain significance (1 of 4 stars; one submission).

Submission:

Labcorp Genetics (formerly Invitae), Labcorp
Classification: Uncertain significance. Last evaluated: 2022-04-10. Review status: criteria provided, single submitter. Criteria: Invitae Variant Classification Sherloc (09022015). Collection method: clinical testing. Allele origin: germline.
Comment: In summary, the available evidence is currently insufficient to determine the role of this variant in disease. Therefore, it has been classified as a Variant of Uncertain Significance. This variant has not been reported in the literature in individuals affected with ANO6-related conditions. Advanced modeling of protein sequence and biophysical properties (such as structural, functional, and spatial information, amino acid conservation, physicochemical variation, residue mobility, and thermodynamic stability) performed at Invitae indicates that this missense variant is not expected to disrupt ANO6 protein function. This variant is not present in population databases (gnomAD no frequency). This sequence change replaces valine, which is neutral and non-polar, with leucine, which is neutral and non-polar, at codon 429 of the ANO6 protein (p.Val429Leu).

NM_001025356.3(ANO6):c.1285G>C (p.Val429Leu)

Gene: ANO6 (anoctamin 6; plus strand). Cytogenetic location: 12q12.
Variant type: single nucleotide variant.
Coding change: c.1285G>C on transcript NM_001025356.3 (MANE Select); coding-DNA position 1285, G replaced by C.
Protein change: p.Val429Leu; replaces valine 429 with leucine.
Molecular consequence: missense variant.
Genome position (GRCh38, 1-based): chr12:45,388,280, G>C. VCF-style: chr12-45388280-G-C. GRCh37 (hg19) VCF-style: chr12-45782063-G-C.
Other names: c.1231G>C, p.Val411Leu (NM_001142678.2); c.1285G>C, p.Val429Leu (NM_001142679.2); c.1348G>C, p.Val450Leu (NM_001204803.2); c.1252G>C, p.Val418Leu (NM_001410973.1); short protein forms V411L, V429L, V418L, V450L.
Identifiers: ClinVar variation 1958067 (VCV001958067.5), dbSNP rs757121451, ClinGen allele CA384453197.